The following is an entry in ClinVar:

ClinVar aggregate classification (germline): Pathogenic (1 of 4 stars; one submission).

Conditions:
Tuberous sclerosis 2 (TSC2). Identifiers: Orphanet 805, MedGen C1860707, MONDO:0013199, OMIM 613254.

Submission:

Labcorp Genetics (formerly Invitae), Labcorp
Classification: Pathogenic for Tuberous sclerosis 2. Last evaluated: 2025-02-24. Review status: criteria provided, single submitter. Criteria: Invitae Variant Classification Sherloc (09022015). Collection method: clinical testing. Allele origin: germline.
Comment: This sequence change creates a premature translational stop signal (p.Ile364Thrfs*25) in the TSC2 gene. It is expected to result in an absent or disrupted protein product. Loss-of-function variants in TSC2 are known to be pathogenic (PMID: 10205261, 17304050). This variant is not present in population databases (gnomAD no frequency). This variant has not been reported in the literature in individuals affected with TSC2-related conditions. For these reasons, this variant has been classified as Pathogenic.

Literature cited by the submitters: PubMed 10205261; PubMed 17304050.

NM_000548.5(TSC2):c.1091del (p.Ile364fs)

Gene: TSC2 (TSC complex subunit 2; plus strand). Cytogenetic location: 16p13.3.
Variant type: Deletion.
Coding change: c.1091del on transcript NM_000548.5 (MANE Select); coding-DNA position 1091, one base deleted (T; older notation c.1091delT).
Protein change: p.Ile364fs; shifts the reading frame from isoleucine 364.
Molecular consequence: frameshift variant. On other transcripts: non-coding transcript variant (5), 5 prime UTR variant (10).
Genome position (GRCh38, 1-based): chr16:2,060,785, T deleted. VCF-style (leftmost placement, unchanged base first): chr16-2060784-AT-A. GRCh37 (hg19) VCF-style: chr16-2110785-AT-A.
Other names: c.1091del, p.Ile364fs (NM_001077183.3, NM_001114382.3, NM_001363528.2 and 6 more transcripts); c.980del, p.Ile327fs (NM_001318827.2, NM_001406670.1, NM_001406678.1); c.944del, p.Ile315fs (NM_001318829.2, NM_001406675.1, NM_001406676.1 and 1 more transcripts); c.491del, p.Ile164fs (NM_001318831.2, NM_001406680.1, NM_001406682.1 and 6 more transcripts); c.1124del, p.Ile375fs (NM_001318832.2); c.1181del, p.Ile394fs (NM_001406667.1, NM_001406668.1); c.1079del, p.Ile360fs (NM_001406671.1, NM_001406673.1); c.1034del, p.Ile345fs (NM_001406677.1); and 4 more; short protein forms I210fs, I315fs, I164fs, I364fs, I375fs, I345fs, I360fs, I394fs.
Identifiers: ClinVar variation 3648353 (VCV003648353.2).